The following is an entry in ClinVar:

ClinVar aggregate classification (germline): Uncertain significance (1 of 4 stars; one submission).

Submission:

Labcorp Genetics (formerly Invitae), Labcorp
Classification: Uncertain significance. Last evaluated: 2024-11-11. Review status: criteria provided, single submitter. Criteria: Invitae Variant Classification Sherloc (09022015). Collection method: clinical testing. Allele origin: germline.
Comment: This variant, c.2336_2337insTAGCCGCAGCCG, results in the insertion of 4 amino acid(s) of the PDZD7 protein (p.Arg781_Ser784dup), but otherwise preserves the integrity of the reading frame. This variant is present in population databases (no rsID available, gnomAD 0.002%). This variant has not been reported in the literature in individuals affected with PDZD7-related conditions. ClinVar contains an entry for this variant (Variation ID: 1045175). Experimental studies and prediction algorithms are not available or were not evaluated, and the functional significance of this variant is currently unknown. In summary, the available evidence is currently insufficient to determine the role of this variant in disease. Therefore, it has been classified as a Variant of Uncertain Significance.

NM_001195263.2(PDZD7):c.2336_2337insTAGCCGCAGCCG (p.773RS[8])

Gene: PDZD7 (PDZ domain containing 7; minus strand). Cytogenetic location: 10q24.31.
Variant type: Insertion.
Coding change: c.2336_2337insTAGCCGCAGCCG on transcript NM_001195263.2 (MANE Select); coding-DNA positions 2336 to 2337, TAGCCGCAGCCG inserted.
Protein change: p.773RS[8].
Molecular consequence: inframe insertion.
Genome position: GRCh38 VCF-style: chr10-101010552-G-GCGGCTGCGGCTA. GRCh37 (hg19) VCF-style: chr10-102770309-G-GCGGCTGCGGCTA.
Identifiers: ClinVar variation 1045175 (VCV001045175.8), dbSNP rs1554833282, ClinGen allele CA595644077.